The following is an entry in ClinVar:

NM_018979.4(WNK1):c.965A>G (p.Lys322Arg)

Gene: WNK1 (WNK lysine deficient protein kinase 1; plus strand). Cytogenetic location: 12p13.33.
Variant type: single nucleotide variant.
Coding change: c.965A>G on transcript NM_018979.4 (MANE Select); coding-DNA position 965, A replaced by G.
Protein change: p.Lys322Arg; replaces lysine 322 with arginine.
Molecular consequence: missense variant.
Genome position (GRCh38, 1-based): chr12:827,074, A>G. VCF-style: chr12-827074-A-G. GRCh37 (hg19) VCF-style: chr12-936240-A-G.
Other names: c.965A>G, p.Lys322Arg (NM_001184985.2, NM_014823.3, NM_213655.5); short protein forms K322R.
Identifiers: ClinVar variation 1003557 (VCV001003557.8), dbSNP rs1948416824, ClinGen allele CA383327503.

ClinVar aggregate classification (germline): Uncertain significance (1 of 4 stars; one submission).

Conditions:
Pseudohypoaldosteronism type 2C (PHA2C). Also called: Pseudohypoaldosteronism Type IIC. Identifiers: Orphanet 757, Orphanet 88940, MedGen C1840391, MONDO:0013778, OMIM 614492.
Neuropathy, hereditary sensory and autonomic, type 2A (HSAN2A). Also called: ACROOSTEOLYSIS, GIACCAI TYPE; ACROOSTEOLYSIS, NEUROGENIC; MORVAN DISEASE; NEUROPATHY, CONGENITAL SENSORY; NEUROPATHY, HEREDITARY SENSORY RADICULAR, AUTOSOMAL RECESSIVE; NEUROPATHY, HEREDITARY SENSORY, TYPE IIA. Identifiers: Orphanet 970, MedGen C2752089, MONDO:0024309, OMIM 201300.

Allele frequency attached by ClinVar (database versions not stated): gnomAD exomes below 0.00001.
gnomAD v4.1: 1 of 1,613,896 alleles (0.000062%); highest among the groups gnomAD compares: Non-Finnish European, 0.000085%; no homozygotes.

Submission:

Labcorp Genetics (formerly Invitae), Labcorp
Classification: Uncertain significance for Neuropathy, hereditary sensory and autonomic, type 2A; Pseudohypoaldosteronism type 2C. Last evaluated: 2020-06-22. Review status: criteria provided, single submitter. Criteria: Invitae Variant Classification Sherloc (09022015). Collection method: clinical testing. Allele origin: germline.
Comment: Algorithms developed to predict the effect of missense changes on protein structure and function are either unavailable or do not agree on the potential impact of this missense change (SIFT: "Deleterious"; PolyPhen-2: "Not Available"; Align-GVGD: "Class C25"). This sequence change replaces lysine with arginine at codon 322 of the WNK1 protein (p.Lys322Arg). The lysine residue is highly conserved and there is a small physicochemical difference between lysine and arginine. This variant is not present in population databases (ExAC no frequency). This variant has not been reported in the literature in individuals with WNK1-related conditions. In summary, the available evidence is currently insufficient to determine the role of this variant in disease. Therefore, it has been classified as a Variant of Uncertain Significance.